The following is an entry in ClinVar:

NM_004329.3(BMPR1A):c.1433G>T (p.Arg478Leu)

Gene: BMPR1A (bone morphogenetic protein receptor type 1A; plus strand). Cytogenetic location: 10q23.2.
Variant type: single nucleotide variant.
Coding change: c.1433G>T on transcript NM_004329.3 (MANE Select); coding-DNA position 1433, G replaced by T.
Protein change: p.Arg478Leu; replaces arginine 478 with leucine.
Molecular consequence: missense variant.
Genome position (GRCh38, 1-based): chr10:86,923,466, G>T. VCF-style: chr10-86923466-G-T. GRCh37 (hg19) VCF-style: chr10-88683223-G-T.
Other names: short protein forms R478L.
Identifiers: ClinVar variation 628297 (VCV000628297.16), dbSNP rs113849804, ClinGen allele CA5585719.

ClinVar aggregate classification (germline): Conflicting classifications of pathogenicity. Review status: criteria provided, conflicting classifications (1 of 4 stars). 3 submissions from 3 submitters: Uncertain significance (2); Benign (1). Last evaluated 2025-10-13.

Conditions:
Juvenile polyposis syndrome (JPS). Identifiers: Orphanet 2929, MedGen C0345893, MONDO:0017380, OMIM 174900.
Hereditary cancer-predisposing syndrome. Also called: Tumor predisposition; Neoplastic Syndromes, Hereditary; Hereditary Cancer Syndrome; Hereditary neoplastic syndrome. Identifiers: Orphanet 140162, MedGen C0027672, MeSH D009386, MONDO:0015356.

gnomAD v4.1: 19 of 1,614,216 alleles (0.0012%); highest among the groups gnomAD compares: South Asian, 0.021%; 1 homozygote.

Submissions (3):

Labcorp Genetics (formerly Invitae), Labcorp
Classification: Uncertain significance for Juvenile polyposis syndrome. Last evaluated: 2025-10-13. Review status: criteria provided, single submitter. Criteria: Invitae Variant Classification Sherloc (09022015). Collection method: clinical testing. Allele origin: germline.
Comment: This sequence change replaces arginine, which is basic and polar, with leucine, which is neutral and non-polar, at codon 478 of the BMPR1A protein (p.Arg478Leu). This variant is present in population databases (rs113849804, gnomAD 0.006%). This variant has not been reported in the literature in individuals affected with BMPR1A-related conditions. ClinVar contains an entry for this variant (Variation ID: 628297). Invitae Evidence Modeling of protein sequence and biophysical properties (such as structural, functional, and spatial information, amino acid conservation, physicochemical variation, residue mobility, and thermodynamic stability) has been performed for this missense variant. However, the output from this modeling did not meet the statistical confidence thresholds required to predict the impact of this variant on BMPR1A protein function. In summary, the available evidence is currently insufficient to determine the role of this variant in disease. Therefore, it has been classified as a Variant of Uncertain Significance.

Ambry Genetics
Classification: Benign for Hereditary cancer-predisposing syndrome. Last evaluated: 2024-08-11. Review status: criteria provided, single submitter. Criteria: Ambry Variant Classification Scheme 2023. Collection method: clinical testing. Allele origin: germline.

Color Diagnostics, LLC DBA Color Health
Classification: Uncertain significance for Hereditary cancer-predisposing syndrome. Last evaluated: 2023-10-27. Review status: criteria provided, single submitter. Criteria: ACMG Guidelines, 2015. Collection method: clinical testing. Allele origin: germline.
Comment: This missense variant replaces arginine with leucine at codon 478 of the BMPR1A protein. Computational prediction is inconclusive regarding the impact of this variant on protein structure and function (internally defined REVEL score threshold 0.5 < inconclusive < 0.7, PMID: 27666373). To our knowledge, functional studies have not been reported for this variant. This variant has not been reported in individuals affected with BMPR1A-related disorders in the literature. This variant has been identified in 2/251494 chromosomes in the general population by the Genome Aggregation Database (gnomAD). The available evidence is insufficient to determine the role of this variant in disease conclusively. Therefore, this variant is classified as a Variant of Uncertain Significance.